The following is an entry in ClinVar:

NM_016006.6(ABHD5):c.285del (p.Phe95fs)

Gene: ABHD5 (abhydrolase domain containing 5, lysophosphatidic acid acyltransferase; plus strand). Cytogenetic location: 3p21.33.
Variant type: Deletion.
Coding change: c.285del on transcript NM_016006.6 (MANE Select); coding-DNA position 285, one base deleted (T; older notation c.285delT).
Protein change: p.Phe95fs; shifts the reading frame from phenylalanine 95.
Molecular consequence: frameshift variant. On other transcripts: non-coding transcript variant (1).
Genome position (GRCh38, 1-based): chr3:43,702,366, T deleted; the last of 4 consecutive T bases (chr3:43,702,363-43,702,366); deleting any one gives the same sequence. VCF-style (leftmost placement, unchanged base first): chr3-43702362-AT-A. GRCh37 (hg19) VCF-style: chr3-43743854-AT-A.
Other names: c.285del, p.Phe95fs (NM_001355186.2, NM_001365650.1); c.162del, p.Phe54fs (NM_001365649.1); short protein forms F54fs, F95fs.
Identifiers: ClinVar variation 2694886 (VCV002694886.3), dbSNP rs2528737257, ClinGen allele CA2697550844.

ClinVar aggregate classification (germline): Pathogenic (1 of 4 stars; one submission).

Submission:

Labcorp Genetics (formerly Invitae), Labcorp
Classification: Pathogenic. Last evaluated: 2023-11-10. Review status: criteria provided, single submitter. Criteria: Invitae Variant Classification Sherloc (09022015). Collection method: clinical testing. Allele origin: germline.
Comment: This sequence change creates a premature translational stop signal (p.Phe95Leufs*48) in the ABHD5 gene. It is expected to result in an absent or disrupted protein product. Loss-of-function variants in ABHD5 are known to be pathogenic (PMID: 11590543). This variant is not present in population databases (gnomAD no frequency). This variant has not been reported in the literature in individuals affected with ABHD5-related conditions. For these reasons, this variant has been classified as Pathogenic.

Literature cited by the submitters: PubMed 11590543.